The following is an entry in ClinVar:

NM_000093.5(COL5A1):c.53C>G (p.Pro18Arg)

Gene: COL5A1 (collagen type V alpha 1 chain; plus strand). Cytogenetic location: 9q34.3.
Variant type: single nucleotide variant.
Coding change: c.53C>G on transcript NM_000093.5 (MANE Select); coding-DNA position 53, C replaced by G.
Protein change: p.Pro18Arg; replaces proline 18 with arginine.
Molecular consequence: missense variant.
Genome position (GRCh38, 1-based): chr9:134,642,240, C>G. VCF-style: chr9-134642240-C-G. GRCh37 (hg19) VCF-style: chr9-137534086-C-G.
Other names: c.53C>G, p.Pro18Arg (NM_001278074.1); c.53C>G (NM_000093.3); short protein forms P18R.
Identifiers: ClinVar variation 2194822 (VCV002194822.6), dbSNP rs1367516173, ClinGen allele CA375443878.

ClinVar aggregate classification (germline): Uncertain significance. Review status: criteria provided, multiple submitters, no conflicts (2 of 4 stars). 3 submissions from 3 submitters: Uncertain significance (3). Last evaluated 2026-05-27.

Conditions:
Ehlers-Danlos syndrome, classic type, 1 (EDSCL1). Also called: Ehlers-Danlos Syndrome, Classic Type, COL5A1-Related; EDS I; EHLERS-DANLOS SYNDROME, GRAVIS TYPE; EHLERS-DANLOS SYNDROME, SEVERE CLASSIC TYPE; Ehlers-Danlos syndrome, type 1. Identifiers: MedGen C0268335, MONDO:0019567, OMIM 130000.
Familial thoracic aortic aneurysm and aortic dissection (TAAD). Also called: Thoracic aortic aneurysms and dissections. Identifiers: Orphanet 91387, MedGen C4707243, MONDO:0019625.
COL5A1-related disorder. Also called: COL5A1-related condition.

Allele frequency attached by ClinVar (database versions not stated): gnomAD 0.00001; gnomAD exomes 0.00001; TOPMed 0.00001; 1000 Genomes Project 30x 0.00016.
gnomAD v4.1: 17 of 1,290,262 alleles (0.0013%); highest among the groups gnomAD compares: East Asian, 0.0069%; no homozygotes.

Submissions (3):

Ambry Genetics
Classification: Uncertain significance for Familial thoracic aortic aneurysm and aortic dissection. Last evaluated: 2026-05-27. Review status: criteria provided, single submitter. Criteria: Ambry Variant Classification Scheme 2023. Collection method: clinical testing. Allele origin: germline.
Comment: The c.53C>G (p.P18R) alteration is located in exon 1 (coding exon 1) of the COL5A1 gene. This alteration results from a C to G substitution at nucleotide position 53, causing the proline (P) at amino acid position 18 to be replaced by an arginine (R). Based on data from gnomAD, the G allele has an overall frequency of 0.003% (1/29074) total alleles studied. The highest observed frequency was 0.065% (1/1548) of East Asian alleles. Based on insufficient or conflicting evidence, the clinical significance of this alteration remains unclear.

PreventionGenetics, part of Exact Sciences
Classification: Uncertain significance for COL5A1-related condition. Last evaluated: 2025-07-30. Review status: criteria provided, single submitter. Criteria: ACMG Guidelines, 2015. Collection method: clinical testing. Allele origin: germline.
Comment: The COL5A1 c.53C>G variant is predicted to result in the amino acid substitution p.Pro18Arg. To our knowledge, this variant has not been reported in the literature. This variant is reported in 0.065% of alleles in individuals of East Asian descent (one heterozygous record) in gnomAd V2.1.1 Population Data. At this time, the clinical significance of this variant is uncertain due to the absence of conclusive functional and genetic evidence.

Labcorp Genetics (formerly Invitae), Labcorp
Classification: Uncertain significance for Ehlers-Danlos syndrome, classic type, 1. Last evaluated: 2024-12-23. Review status: criteria provided, single submitter. Criteria: Invitae Variant Classification Sherloc (09022015). Collection method: clinical testing. Allele origin: germline.
Comment: This sequence change replaces proline, which is neutral and non-polar, with arginine, which is basic and polar, at codon 18 of the COL5A1 protein (p.Pro18Arg). This variant is present in population databases (no rsID available, gnomAD 0.06%). This variant has not been reported in the literature in individuals affected with COL5A1-related conditions. ClinVar contains an entry for this variant (Variation ID: 2194822). Invitae Evidence Modeling of protein sequence and biophysical properties (such as structural, functional, and spatial information, amino acid conservation, physicochemical variation, residue mobility, and thermodynamic stability) indicates that this missense variant is not expected to disrupt COL5A1 protein function with a negative predictive value of 95%. In summary, the available evidence is currently insufficient to determine the role of this variant in disease. Therefore, it has been classified as a Variant of Uncertain Significance.